The following is an entry in ClinVar:

ClinVar aggregate classification (germline): Uncertain significance (1 of 4 stars; one submission).

Conditions:
Cornelia de Lange syndrome 1 (CDLS1). Also called: TYPUS DEGENERATIVUS AMSTELODAMENSIS; Brachmann de Lange syndrome; NIPBL-Related Cornelia de Lange Syndrome. Identifiers: Orphanet 199, MedGen C4551851, MONDO:0007387, OMIM 122470.

Submission:

Labcorp Genetics (formerly Invitae), Labcorp
Classification: Uncertain significance for Cornelia de Lange syndrome 1. Last evaluated: 2017-12-01. Review status: criteria provided, single submitter. Criteria: Invitae Variant Classification Sherloc (09022015). Collection method: clinical testing. Allele origin: germline.
Comment: In summary, the available evidence is currently insufficient to determine the role of this variant in disease. Therefore, it has been classified as a Variant of Uncertain Significance. Nucleotide substitutions within the consensus splice site are a relatively common cause of aberrant splicing (PMID: 17576681, 9536098). Algorithms developed to predict the effect of sequence changes on RNA splicing suggest that this variant may disrupt the consensus splice site, but this prediction has not been confirmed by published transcriptional studies. This variant has not been reported in the literature in individuals with NIPBL-related disease. This variant is not present in population databases (ExAC no frequency). This sequence change falls in intron 2 of the NIPBL gene. It does not directly change the encoded amino acid sequence of the NIPBL protein, but it affects a nucleotide within the consensus splice site of the intron.

Literature cited by the submitters: PubMed 17576681; PubMed 9536098.

NM_133433.4(NIPBL):c.64+6T>A

Gene: NIPBL (NIPBL cohesin loading factor; plus strand). Cytogenetic location: 5p13.2.
Variant type: single nucleotide variant.
Coding change: c.64+6T>A on transcript NM_133433.4 (MANE Select); 6 bases into the intron after coding-DNA position 64, T replaced by A.
Molecular consequence: intron variant.
Genome position (GRCh38, 1-based): chr5:36,953,766, T>A. VCF-style: chr5-36953766-T-A. GRCh37 (hg19) VCF-style: chr5-36953868-T-A.
Other names: c.64+6T>A (NM_015384.5).
Identifiers: ClinVar variation 543052 (VCV000543052.8), dbSNP rs1554010766, ClinGen allele CA658796510.
Genomic context (GRCh38, chr5:36,953,766, plus strand): 5'-GATATGCCCCATGTCCCCATTACTACTCTTGCGGGGATTGCTAGTCTCACAGACCGTAAG[T>A]TTGGTTAATTTATCTAATTTAAGTTCTACTGTGTGTTAACAATAATTTTTACAGTGACTG-3'